The following is an entry in ClinVar:

NM_004655.4(AXIN2):c.1717A>G (p.Ser573Gly)

Gene: AXIN2 (axin 2; minus strand). Cytogenetic location: 17q24.1.
Variant type: single nucleotide variant.
Coding change: c.1717A>G on transcript NM_004655.4 (MANE Select); coding-DNA position 1717, A replaced by G.
Protein change: p.Ser573Gly; replaces serine 573 with glycine.
Molecular consequence: missense variant. On other transcripts: intron variant (1).
Genome position (GRCh38, 1-based): chr17:65,537,059, T>C on the plus strand (A>G on the coding strand, the complement: AXIN2 is on the minus strand). VCF-style: chr17-65537059-T-C. GRCh37 (hg19) VCF-style: chr17-63533177-T-C.
Other names: c.1712+265A>G (NM_001363813.1); short protein forms S573G.
Identifiers: ClinVar variation 2560981 (VCV002560981.2), dbSNP rs2144452309, ClinGen allele CA400676760.

ClinVar aggregate classification (germline): Uncertain significance (1 of 4 stars; one submission).

Conditions:
Hereditary cancer-predisposing syndrome. Also called: Neoplastic Syndromes, Hereditary; Hereditary Cancer Syndrome; Hereditary neoplastic syndrome; Tumor predisposition. Identifiers: Orphanet 140162, MedGen C0027672, MeSH D009386, MONDO:0015356.

Submission:

Ambry Genetics
Classification: Uncertain significance for Hereditary cancer-predisposing syndrome. Last evaluated: 2023-05-04. Review status: criteria provided, single submitter. Criteria: Ambry Variant Classification Scheme 2023. Collection method: clinical testing. Allele origin: germline.
Comment: The p.S573G variant (also known as c.1717A>G), located in coding exon 6 of the AXIN2 gene, results from an A to G substitution at nucleotide position 1717. The serine at codon 573 is replaced by glycine, an amino acid with similar properties. This amino acid position is well conserved in available vertebrate species. In addition, this alteration is predicted to be tolerated by in silico analysis. Since supporting evidence is limited at this time, the clinical significance of this alteration remains unclear.